The following is an entry in ClinVar:

ClinVar aggregate classification (germline): Uncertain significance (1 of 4 stars; one submission).

Conditions:
Familial thoracic aortic aneurysm and aortic dissection (TAAD). Also called: Thoracic aortic aneurysms and dissections. Identifiers: Orphanet 91387, MedGen C4707243, MONDO:0019625.

Submission:

Color Diagnostics, LLC DBA Color Health
Classification: Uncertain significance for Familial thoracic aortic aneurysm and aortic dissection. Last evaluated: 2019-11-05. Review status: criteria provided, single submitter. Criteria: ACMG Guidelines, 2015. Collection method: clinical testing. Allele origin: germline.
Comment: This variant causes a G>T nucleotide substitution at the +3 position of intron 61 of the FBN1 gene. Splice site prediction tools and conservation analysis are inconclusive regarding the impact of this variant on RNA splicing. To our knowledge, functional studies have not been performed for this variant. This variant has not been reported in individuals affected with cardiovascular disorders in the literature. This variant has not been identified in the general population by the Genome Aggregation Database (gnomAD). The available evidence is insufficient to determine the role of this variant in disease conclusively. Therefore, this variant is classified as a Variant of Uncertain Significance.

NM_000138.5(FBN1):c.7570+3G>T

Gene: FBN1 (fibrillin 1; minus strand). Cytogenetic location: 15q21.1.
Variant type: single nucleotide variant.
Coding change: c.7570+3G>T on transcript NM_000138.5 (MANE Select); 3 bases into the intron after coding-DNA position 7570, G replaced by T.
Molecular consequence: intron variant.
Genome position (GRCh38, 1-based): chr15:48,421,949, C>A on the plus strand (G>T on the coding strand, the complement: FBN1 is on the minus strand). VCF-style: chr15-48421949-C-A. GRCh37 (hg19) VCF-style: chr15-48714146-C-A.
Identifiers: ClinVar variation 926627 (VCV000926627.3), dbSNP rs771716341, ClinGen allele CA1139663915.
Genomic context (GRCh38, chr15:48,421,949, plus strand): 5'-TAGAAAATAATCCCTTAAAAGAATCGCTACAATCCATGTAGGATTTTTTCCTCTCCTACT[C>A]ACCAATGCAGGACGTATGGTGTTGGGTAAATCCGGGAGGACATTTGCATGTGAAGCCGCC-3'